The following is an entry in ClinVar:

NM_004006.3(DMD):c.1261C>A (p.Gln421Lys)

Gene: DMD (dystrophin; minus strand). Cytogenetic location: Xp21.1.
Variant type: single nucleotide variant.
Coding change: c.1261C>A on transcript NM_004006.3 (MANE Select); coding-DNA position 1261, C replaced by A.
Protein change: p.Gln421Lys; replaces glutamine 421 with lysine.
Molecular consequence: missense variant.
Genome position (GRCh38, 1-based): chrX:32,644,202, G>T on the plus strand (C>A on the coding strand, the complement: DMD is on the minus strand). VCF-style: chrX-32644202-G-T. GRCh37 (hg19) VCF-style: chrX-32662319-G-T.
Other names: c.1237C>A, p.Gln413Lys (NM_000109.4); c.1249C>A, p.Gln417Lys (NM_004009.3); c.892C>A, p.Gln298Lys (NM_004010.3); short protein forms Q413K, Q421K, Q417K, Q298K.
Identifiers: ClinVar variation 2730457 (VCV002730457.3), dbSNP rs398123852, ClinGen allele CA412661054.

ClinVar aggregate classification (germline): Uncertain significance (1 of 4 stars; one submission).

Conditions:
Duchenne muscular dystrophy (DMD). Also called: MUSCULAR DYSTROPHY, PSEUDOHYPERTROPHIC PROGRESSIVE, DUCHENNE TYPE; Duchenne Muscular Dystrophy (DMD). Identifiers: Orphanet 98896, MedGen C0013264, MONDO:0010679, OMIM 310200.

Submission:

Labcorp Genetics (formerly Invitae), Labcorp
Classification: Uncertain significance for Duchenne muscular dystrophy. Last evaluated: 2025-04-10. Review status: criteria provided, single submitter. Criteria: Invitae Variant Classification Sherloc (09022015). Collection method: clinical testing. Allele origin: germline.
Comment: This sequence change replaces glutamine, which is neutral and polar, with lysine, which is basic and polar, at codon 421 of the DMD protein (p.Gln421Lys). This variant is not present in population databases (gnomAD no frequency). This variant has not been reported in the literature in individuals affected with DMD-related conditions. ClinVar contains an entry for this variant (Variation ID: 2730457). Invitae Evidence Modeling of protein sequence and biophysical properties (such as structural, functional, and spatial information, amino acid conservation, physicochemical variation, residue mobility, and thermodynamic stability) indicates that this missense variant is not expected to disrupt DMD protein function with a negative predictive value of 95%. In summary, the available evidence is currently insufficient to determine the role of this variant in disease. Therefore, it has been classified as a Variant of Uncertain Significance.